The following is an entry in ClinVar:

ClinVar aggregate classification (germline): Pathogenic/Likely pathogenic. Review status: criteria provided, multiple submitters, no conflicts (2 of 4 stars). 3 submissions from 3 submitters: Pathogenic (1); Likely pathogenic (2). Last evaluated 2026-04-07.

Conditions:
Cardiovascular phenotype. Identifiers: MedGen CN230736.
Dilated cardiomyopathy 1G (CMD1G). Identifiers: Orphanet 154, MedGen C1858763, MONDO:0011400, OMIM 604145.
Autosomal recessive limb-girdle muscular dystrophy type 2J (LGMDR10). Also called: Limb-girdle muscular dystrophy, type 2J; MUSCULAR DYSTROPHY, LIMB-GIRDLE, AUTOSOMAL RECESSIVE 10. Identifiers: Orphanet 140922, MedGen C1837342, MONDO:0012127, OMIM 608807.

Submissions (3):

GeneDx
Classification: Pathogenic. Last evaluated: 2026-04-07. Review status: criteria provided, single submitter. Criteria: GeneDx Variant Classification Process June 2021. Collection method: clinical testing. Allele origin: germline.
Comment: Frameshift variant predicted to result in protein truncation or nonsense mediated decay in a gene for which loss of function is a known mechanism of disease; Located in the M-band, a region of TTN for which truncating variants are significantly associated with autosomal recessive skeletal myopathies and also with autosomal dominant cardiomyopathy (PMID: 17444505, 32778822, 36637017); Not observed at significant frequency in large population cohorts (gnomAD); This variant is associated with the following publications: (PMID: 17444505, 32778822, 36637017, 23975875)

Labcorp Genetics (formerly Invitae), Labcorp
Classification: Likely pathogenic for Dilated cardiomyopathy 1G; Autosomal recessive limb-girdle muscular dystrophy type 2J. Last evaluated: 2025-06-06. Review status: criteria provided, single submitter. Criteria: Invitae Variant Classification Sherloc (09022015). Collection method: clinical testing. Allele origin: germline.
Comment: This sequence change creates a premature translational stop signal (p.Pro34617Glnfs*3) in the TTN gene. While this is not anticipated to result in nonsense mediated decay, it is expected to create a truncated TTN protein. This variant is not present in population databases (gnomAD no frequency). This premature translational stop signal has been observed in individual(s) with centronuclear myopathy (PMID: 23975875). This variant is also known as c.96146_96147insAGAC. ClinVar contains an entry for this variant (Variation ID: 1468641). This variant is located in the M band of TTN (PMID: 25589632). Truncating variants in this region have been previously reported in individuals affected with autosomal dominant or autosomal recessive myopathy and muscular dystrophy (PMID: 18948003, 23975875, 24395473). Truncating variants in this region have also been identified in individuals affected with autosomal dominant dilated cardiomyopathy and/or cardio-related conditions (PMID: 27869827, 32964742, internal data). In summary, the currently available evidence indicates that the variant is pathogenic, but additional data are needed to prove that conclusively. Therefore, this variant has been classified as Likely Pathogenic.

Ambry Genetics
Classification: Likely pathogenic for Cardiovascular phenotype. Last evaluated: 2023-07-03. Review status: criteria provided, single submitter. Criteria: Ambry Variant Classification Scheme 2023. Collection method: clinical testing. Allele origin: germline.
Comment: The c.76651_76654dupAGAC variant, located in coding exon 185 of the TTN gene, results from a duplication of AGAC at nucleotide position 76651, causing a translational frameshift with a predicted alternate stop codon (p.P25552Qfs*3). This exon is located in the M-band region of the N2-B isoform of the titin protein and is constitutively expressed in TTN transcripts (percent spliced in or PSI 100%). This variant has been reported (as NM_133378 c.96146_96147insAGAC; p.P32049fs) in an individual with congenital centronuclear myopathy and assumed to be in trans with two different in-frame indels on the other TTN allele (Ceyhan-Birsoy O et al. Neurology, 2013 Oct;81:1205-14). This variant is considered to be rare based on population cohorts in the Genome Aggregation Database (gnomAD). In addition to the clinical data presented in the literature, this alteration is expected to result in loss of function by premature protein truncation or nonsense-mediated mRNA decay. While truncating variants in TTN are present in 1-3% of the general population, truncating variants in the M-band have been reported in association with autosomal recessive titinopathies, primarily presenting with skeletal myopathy phenotypes (Ceyhan-Birsoy O et al. Neurology. 2013 Oct 1;81(14):1205-14; De Cid R et al. Neurology. 2015;85(24):2126-35). In addition, regardless of their position, TTN truncating variants encoded in constitutive exons (PSI >90%) have been found to be significantly associated with dilated cardiomyopathy (DCM), though truncating variants in the A-band are the most common cause of DCM (Herman DS et al. N. Engl. J. Med., 2012 Feb;366:619-28; Roberts AM et al. Sci Transl Med, 2015 Jan;7:270ra6; Schafer S et al. Nat. Genet., 2017 01;49:46-53). Based on the majority of available evidence to date, this variant is likely to be pathogenic in association with autosomal recessive titinopathy; however, the clinical significance of this alteration with respect to cardiomyopathy remains unclear.

Literature cited by the submitters: PubMed 23975875 (cited by Labcorp Genetics (formerly Invitae), Labcorp and Ambry Genetics); PubMed 25589632 (cited by Labcorp Genetics (formerly Invitae), Labcorp); PubMed 18948003 (cited by Labcorp Genetics (formerly Invitae), Labcorp); PubMed 24395473 (cited by Labcorp Genetics (formerly Invitae), Labcorp); PubMed 27869827 (cited by Labcorp Genetics (formerly Invitae), Labcorp); PubMed 32964742 (cited by Labcorp Genetics (formerly Invitae), Labcorp).

NM_001267550.2(TTN):c.103846_103849dup (p.Pro34617fs)

Genes: TTN (titin; minus strand), TTN-AS1 (TTN antisense RNA 1; plus strand). Cytogenetic location: 2q31.2.
Variant type: Duplication.
Coding change: c.103846_103849dup on transcript NM_001267550.2 (MANE Select); coding-DNA positions 103846 to 103849, 4 bases duplicated (AGAC; older notation c.103846_103849dupAGAC).
Protein change: p.Pro34617fs; shifts the reading frame from proline 34617.
Molecular consequence: frameshift variant.
Genome position (GRCh38, 1-based): chr2:178,532,766-178,532,769, GTCT duplicated on the plus strand (AGAC on the coding strand, the reverse complement: TTN is on the minus strand); duplicating any 4 consecutive bases within chr2:178,532,766-178,532,771 gives the same sequence; the c. name uses the placement nearest the transcript's 3' end. VCF-style (leftmost placement, unchanged base first): chr2-178532765-G-GGTCT. GRCh37 (hg19) VCF-style: chr2-179397492-G-GGTCT.
Other names: c.76651_76654dupAGAC (NM_003319.4); c.98923_98926dup, p.Pro32976fs (NM_001256850.1); c.76651_76654dup, p.Pro25552fs (NM_003319.4); c.96142_96145dup, p.Pro32049fs (NM_133378.4); c.77026_77029dup, p.Pro25677fs (NM_133432.3); c.77227_77230dup, p.Pro25744fs (NM_133437.4); c.103846_103849dup (NM_001267550.1); short protein forms P25552fs, P32049fs, P34617fs, P32976fs, P25677fs, P25744fs.
Identifiers: ClinVar variation 1468641 (VCV001468641.10), dbSNP rs2154134575, ClinGen allele CA2573134065.
Genomic context (GRCh38, chr2:178,532,765, plus strand): 5'-CGGCGGGCTGGTCTCACTATCTCAAGATCATCTTGGGACAGTTTAGGAATACGCCATTTA[G>GGTCT]GTCTGTATTGATCTGTAATGCGTGGAAGAGGCATCACATAGAACTGTTCCCATCTTGAAA-3'